The following is an entry in ClinVar:

ClinVar aggregate classification (germline): Uncertain significance (1 of 4 stars; one submission).

Conditions:
Fanconi anemia (FA). Also called: Fanconi's anemia. Identifiers: Orphanet 84, MedGen C0015625, MeSH D005199, MONDO:0019391.

Allele frequency attached by ClinVar (database versions not stated): 1000 Genomes Project 30x 0.00016.
gnomAD v4.1: 11 of 1,614,122 alleles (0.00068%); highest among the groups gnomAD compares: East Asian, 0.025%; no homozygotes.

Submission:

Labcorp Genetics (formerly Invitae), Labcorp
Classification: Uncertain significance for Fanconi anemia. Last evaluated: 2024-11-27. Review status: criteria provided, single submitter. Criteria: Invitae Variant Classification Sherloc (09022015). Collection method: clinical testing. Allele origin: germline.
Comment: This sequence change replaces asparagine, which is neutral and polar, with lysine, which is basic and polar, at codon 1146 of the SLX4 protein (p.Asn1146Lys). This variant is not present in population databases (gnomAD no frequency). This variant has not been reported in the literature in individuals affected with SLX4-related conditions. ClinVar contains an entry for this variant (Variation ID: 2037842). An algorithm developed to predict the effect of missense changes on protein structure and function outputs the following: PolyPhen-2: "Benign". The lysine amino acid residue is found in multiple mammalian species, which suggests that this missense change does not adversely affect protein function. In summary, the available evidence is currently insufficient to determine the role of this variant in disease. Therefore, it has been classified as a Variant of Uncertain Significance.

NM_032444.4(SLX4):c.3438C>A (p.Asn1146Lys)

Gene: SLX4 (SLX4 structure-specific endonuclease subunit; minus strand). Cytogenetic location: 16p13.3.
Variant type: single nucleotide variant.
Coding change: c.3438C>A on transcript NM_032444.4 (MANE Select); coding-DNA position 3438, C replaced by A.
Protein change: p.Asn1146Lys; replaces asparagine 1146 with lysine.
Molecular consequence: missense variant.
Genome position (GRCh38, 1-based): chr16:3,590,200, G>T on the plus strand (C>A on the coding strand, the complement: SLX4 is on the minus strand). VCF-style: chr16-3590200-G-T. GRCh37 (hg19) VCF-style: chr16-3640201-G-T.
Other names: short protein forms N1146K.
Identifiers: ClinVar variation 2037842 (VCV002037842.4), dbSNP rs78541095, ClinGen allele CA276959018.